The following is an entry in ClinVar:

NM_006978.3(RNF113A):c.736G>A (p.Asp246Asn)

Gene: RNF113A (ring finger protein 113A; minus strand). Cytogenetic location: Xq24.
Variant type: single nucleotide variant.
Coding change: c.736G>A on transcript NM_006978.3 (MANE Select); coding-DNA position 736, G replaced by A.
Protein change: p.Asp246Asn; replaces aspartic acid 246 with asparagine.
Molecular consequence: missense variant.
Genome position (GRCh38, 1-based): chrX:119,870,878, C>T on the plus strand (G>A on the coding strand, the complement: RNF113A is on the minus strand). VCF-style: chrX-119870878-C-T. GRCh37 (hg19) VCF-style: chrX-119004841-C-T.
Other names: short protein forms D246N.
Identifiers: ClinVar variation 4774636 (VCV004774636.1).

ClinVar aggregate classification (germline): Uncertain significance (1 of 4 stars; one submission).

Submission:

Labcorp Genetics (formerly Invitae), Labcorp
Classification: Uncertain significance. Last evaluated: 2025-07-27. Review status: criteria provided, single submitter. Criteria: Invitae Variant Classification Sherloc (09022015). Collection method: clinical testing. Allele origin: germline.
Comment: This sequence change replaces aspartic acid, which is acidic and polar, with asparagine, which is neutral and polar, at codon 246 of the RNF113A protein (p.Asp246Asn). This variant is present in population databases (no rsID available, gnomAD 0.004%). This variant has not been reported in the literature in individuals affected with RNF113A-related conditions. Invitae Evidence Modeling of protein sequence and biophysical properties (such as structural, functional, and spatial information, amino acid conservation, physicochemical variation, residue mobility, and thermodynamic stability) indicates that this missense variant is not expected to disrupt RNF113A protein function with a negative predictive value of 80%. In summary, the available evidence is currently insufficient to determine the role of this variant in disease. Therefore, it has been classified as a Variant of Uncertain Significance.